The following is an entry in ClinVar:

NM_001080517.3(SETD5):c.895_902del (p.Ile299fs)

Gene: SETD5 (SET domain containing 5; plus strand). Cytogenetic location: 3p25.3.
Variant type: Deletion.
Coding change: c.895_902del on transcript NM_001080517.3 (MANE Select); coding-DNA positions 895 to 902, 8 bases deleted (ATAGAGTA; older notation c.895_902delATAGAGTA).
Protein change: p.Ile299fs; shifts the reading frame from isoleucine 299.
Molecular consequence: frameshift variant.
Genome position (GRCh38, 1-based): chr3:9,441,677-9,441,684, ATAGAGTA deleted; deleting any 8 consecutive bases within chr3:9,441,675-9,441,684 gives the same sequence; the c. name uses the placement nearest the transcript's 3' end. VCF-style (leftmost placement, unchanged base first): chr3-9441674-ATAATAGAG-A. GRCh37 (hg19) VCF-style: chr3-9483358-ATAATAGAG-A.
Other names: c.601_608del, p.Ile201fs (NM_001292043.2, NM_001349451.2); short protein forms I201fs, I299fs.
Identifiers: ClinVar variation 2635168 (VCV002635168.1), dbSNP rs2472704134, ClinGen allele CA2695197725.

ClinVar aggregate classification (germline): Likely pathogenic (1 of 4 stars; one submission).

Conditions:
SETD5-related disorder. Also called: SETD5-related disorders; SETD5-related condition.

Submission:

PreventionGenetics, part of Exact Sciences
Classification: Likely pathogenic for SETD5-related condition. Last evaluated: 2022-11-23. Review status: criteria provided, single submitter. Criteria: ACMG Guidelines, 2015. Collection method: clinical testing. Allele origin: germline.
Comment: The SETD5 c.895_902del8 variant is predicted to result in a frameshift and premature protein termination (p.Ile299Serfs*11). To our knowledge, this variant has not been reported in the literature or in a large population database, indicating this variant is rare. Frameshift variants in SETD5 are expected to be pathogenic. This variant is interpreted as likely pathogenic.